The following is an entry in ClinVar:

NM_005633.4(SOS1):c.3011A>G (p.Glu1004Gly)

Gene: SOS1 (SOS Ras/Rac guanine nucleotide exchange factor 1; minus strand). Cytogenetic location: 2p22.1.
Variant type: single nucleotide variant.
Coding change: c.3011A>G on transcript NM_005633.4 (MANE Select); coding-DNA position 3011, A replaced by G.
Protein change: p.Glu1004Gly; replaces glutamic acid 1004 with glycine.
Molecular consequence: missense variant.
Genome position (GRCh38, 1-based): chr2:38,996,992, T>C on the plus strand (A>G on the coding strand, the complement: SOS1 is on the minus strand). VCF-style: chr2-38996992-T-C. GRCh37 (hg19) VCF-style: chr2-39224133-T-C.
Other names: c.2990A>G, p.Glu997Gly (NM_001382394.1); c.3011A>G, p.Glu1004Gly (NM_001382395.1); c.3011A>G (NM_005633.3); short protein forms E1004G, E997G.
Identifiers: ClinVar variation 1387365 (VCV001387365.9), dbSNP rs2124478876, ClinGen allele CA346361444.
Genomic context (GRCh38, chr2:38,996,992, plus strand): 5'-AGAGGCTTAGGGTTTCGTGGTTCTATTTCTAGGGATTTGTTGAAAAGATAATCTGTAAAT[T>C]CCTTCTCCATGCTATTTCCCATCGGATTCAAGTTTTCAAAGAACCTCTAAAATAAATGCA-3'
Protein context (NP_005624.2, residues 994-1014): LNPMGNSMEK[Glu1004Gly]FTDYLFNKSL

ClinVar aggregate classification (germline): Uncertain significance. Review status: criteria provided, multiple submitters, no conflicts (2 of 4 stars). 2 submissions from 2 submitters: Uncertain significance (2). Last evaluated 2026-08-31.

Conditions:
Cardiovascular phenotype. Identifiers: MedGen CN230736.
RASopathy. Also called: Noonan spectrum disorder; rasopathies. Identifiers: Orphanet 536391, MedGen C5555857, MONDO:0021060.

Allele frequency attached by ClinVar (database versions not stated): gnomAD exomes below 0.00001.
gnomAD v4.1: 1 of 1,607,614 alleles (0.000062%); highest among the groups gnomAD compares: Non-Finnish European, 0.000085%; no homozygotes.

Submissions (2):

Ambry Genetics
Classification: Uncertain significance for Cardiovascular phenotype. Last evaluated: 2026-08-31. Review status: criteria provided, single submitter. Criteria: Ambry Variant Classification Scheme 2023. Collection method: clinical testing. Allele origin: germline.
Comment: The p.E1004G variant (also known as c.3011A>G), located in coding exon 19 of the SOS1 gene, results from an A to G substitution at nucleotide position 3011. The glutamic acid at codon 1004 is replaced by glycine, an amino acid with similar properties. This amino acid position is conserved. In addition, this alteration is predicted to be tolerated by in silico analysis. Based on the available evidence, the clinical significance of this variant remains unclear.

Labcorp Genetics (formerly Invitae), Labcorp
Classification: Uncertain significance for RASopathy. Last evaluated: 2025-04-09. Review status: criteria provided, single submitter. Criteria: Invitae Variant Classification Sherloc (09022015). Collection method: clinical testing. Allele origin: germline.
Comment: This sequence change replaces glutamic acid, which is acidic and polar, with glycine, which is neutral and non-polar, at codon 1004 of the SOS1 protein (p.Glu1004Gly). This variant is not present in population databases (gnomAD no frequency). This variant has not been reported in the literature in individuals affected with SOS1-related conditions. ClinVar contains an entry for this variant (Variation ID: 1387365). Invitae Evidence Modeling of protein sequence and biophysical properties (such as structural, functional, and spatial information, amino acid conservation, physicochemical variation, residue mobility, and thermodynamic stability) has been performed for this missense variant. However, the output from this modeling did not meet the statistical confidence thresholds required to predict the impact of this variant on SOS1 protein function. In summary, the available evidence is currently insufficient to determine the role of this variant in disease. Therefore, it has been classified as a Variant of Uncertain Significance.